The following is an entry in ClinVar:

NM_182961.4(SYNE1):c.16390-2A>G

Gene: SYNE1 (spectrin repeat containing nuclear envelope protein 1; minus strand). Cytogenetic location: 6q25.2.
Variant type: single nucleotide variant.
Coding change: c.16390-2A>G on transcript NM_182961.4 (MANE Select); the canonical splice acceptor site of the intron before coding-DNA position 16390, A replaced by G.
Molecular consequence: splice acceptor variant.
Genome position (GRCh38, 1-based): chr6:152,318,265, T>C on the plus strand (A>G on the coding strand, the complement: SYNE1 is on the minus strand). VCF-style: chr6-152318265-T-C. GRCh37 (hg19) VCF-style: chr6-152639400-T-C.
Other names: IVS84AS, A-G, -2; c.16177-2A>G (NM_033071.5).
Identifiers: ClinVar variation 667389 (VCV000667389.21), dbSNP rs759460806, ClinGen allele CA366112657.

ClinVar aggregate classification (germline): Pathogenic/Likely pathogenic. Review status: criteria provided, multiple submitters, no conflicts (2 of 4 stars). 9 submissions from 9 submitters: Pathogenic (7); Likely pathogenic (1). 1 of the submissions does not count toward it. Last evaluated 2025-07-16.

Conditions:
Autosomal recessive ataxia, Beauce type. Also called: Spinocerebellar ataxia, autosomal recessive 8; SYNE1-Related Autosomal Recessive Cerebellar Ataxia; ATAXIA, RECESSIVE, OF BEAUCE; SYNE1 Deficiency. Identifiers: Orphanet 88644, MedGen C1853116, MONDO:0012549, OMIM 610743.
Emery-Dreifuss muscular dystrophy 4, autosomal dominant (EDMD4). Also called: EMERY-DREIFUSS MUSCULAR DYSTROPHY 4 WITH VARIABLE FEATURES. Identifiers: Orphanet 261, MedGen C2751807, MONDO:0013071, OMIM 612998.
Arthrogryposis multiplex congenita 3, myogenic type. Also called: ARTHROGRYPOSIS MULTIPLEX CONGENITA, MYOGENIC TYPE. Identifiers: MedGen C5193121, MONDO:0032778, OMIM 618484.
Autosomal recessive cerebellar ataxia. Also called: Spinocerebellar Ataxia, Recessive; Spinocerebellar ataxia, autosomal recessive. Identifiers: Orphanet 1172, MedGen C5575375, MONDO:0015244.
SYNE1-related disorder. Also called: SYNE1-related disorders; SYNE1-related disease; SYNE1-related condition.
Inborn genetic diseases. Identifiers: MedGen C0950123, MeSH D030342.

Allele frequency attached by ClinVar (database versions not stated): TOPMed 0.00002.
gnomAD v4.1: 7 of 1,614,068 alleles (0.00043%); highest among the groups gnomAD compares: Non-Finnish European, 0.00059%; no homozygotes.

Submissions (9):

Revvity Omics, Revvity
Classification: Pathogenic. Last evaluated: 2025-07-16. Review status: criteria provided, single submitter. Criteria: ACMG Guidelines, 2015. Collection method: clinical testing. Allele origin: germline.

Fulgent Genetics
Classification: Pathogenic for Autosomal recessive ataxia, Beauce type; Emery-Dreifuss muscular dystrophy 4, autosomal dominant; Arthrogryposis multiplex congenita 3, myogenic type. Last evaluated: 2024-04-17. Review status: criteria provided, single submitter. Criteria: ACMG Guidelines, 2015. Collection method: clinical testing. Allele origin: germline.

Blueprint Genetics
Classification: Pathogenic for SYNE1-related disorders. Last evaluated: 2024-01-11. Review status: criteria provided, single submitter. Criteria: ACMG Guidelines, 2015. Collection method: clinical testing. Allele origin: germline. Affected: yes. Observed: 5 variant alleles.

GeneDx
Classification: Pathogenic. Last evaluated: 2023-11-17. Review status: criteria provided, single submitter. Criteria: GeneDx Variant Classification Process June 2021. Collection method: clinical testing. Allele origin: germline. Affected: yes.
Comment: Reported with a second variant in the SYNE1 gene in patients with ataxia in the literature; however, segregation information and/or information about the second variant was not provided for all cases (PMID: 33397523, 17159980); Canonical splice site variant expected to result in aberrant splicing, although in the absence of functional evidence the actual effect of this sequence change is unknown; Deletions involving coding exons of this gene are a known mechanism of disease (HGMD); Not observed at significant frequency in large population cohorts (gnomAD); This variant is associated with the following publications: (PMID: 17159980, 25525159, 27782104, 25843669, 31103315, 33397523)

Athena Diagnostics
Classification: Pathogenic. Last evaluated: 2020-11-20. Review status: criteria provided, single submitter. Criteria: Athena Diagnostics criteria. Collection method: clinical testing. Allele origin: unknown.
Comment: This variant is expected to severely impact normal RNA splicing, and consequently, protein structure and/or function. The frequency of this variant in the general population is consistent with pathogenicity. This variant has been identified in at least one individual with clinical features associated with this gene.

Labcorp Genetics (formerly Invitae), Labcorp
Classification: Pathogenic for Emery-Dreifuss muscular dystrophy 4, autosomal dominant; Autosomal recessive ataxia, Beauce type. Last evaluated: 2020-08-03. Review status: criteria provided, single submitter. Criteria: Invitae Variant Classification Sherloc (09022015). Collection method: clinical testing. Allele origin: germline.
Comment: For these reasons, this variant has been classified as Pathogenic. Donor and acceptor splice site variants typically lead to a loss of protein function (PMID: 16199547), and loss-of-function variants in SYNE1 are known to be pathogenic (PMID: 19542096, 24319099, 27086870). Experimental studies have shown that this variant disrupts mRNA splicing (PMID: 17159980). This variant has been observed in individual(s) with cerebellar ataxia (PMID: 17159980, 31103315). ClinVar contains an entry for this variant (Variation ID: 667389). This variant is not present in population databases (ExAC no frequency). This sequence change affects an acceptor splice site in intron 84 of the SYNE1 gene. It is expected to disrupt RNA splicing and likely results in an absent or disrupted protein product.

Laboratory for Molecular Medicine, Mass General Brigham Personalized Medicine
Classification: Likely pathogenic for Autosomal recessive cerebellar ataxia. Last evaluated: 2019-01-11. Review status: criteria provided, single submitter. Criteria: LMM Criteria. Collection method: clinical testing. Allele origin: germline. Inheritance: Autosomal recessive inheritance. Observed: 1 variant allele.
Comment: The c.16390-2A>G variant in SYNE1 has been reported in the compound heterozygous state in 2 French-Canadian families with autosomal recessive cerebellar ataxia (Gros-Louis 2007). Although the variant was reported to segregate with disease i n affected family members, it is unclear how many individuals were tested. The c .16390-2A>G variant has also been identified in 0.001% (1/113116) of European ch romosomes by gnomAD. This variant occurs with in the canonical splice site (+/- 1,2) and functional studies demonstrate that i t results in the insertion of single nucleotide, which is then predicted to caus e a frameshift leading to a truncated or absent protein (Gros-Louis 2007). Altho ugh, the variant falls within an alternatively spliced exon of the SYNE1 gene, i soforms containing this exon are expressed in the cerebellum (Razafsky 2015; GTE x). Loss of function of the SYNE1 gene is an established disease mechanism in autosomal recessive cerebellar ataxia. In summary, althoug h additional studies are required to fully establish its clinical significance, the c.16390-2A>G variant meets criteria to be classified as likely pathogenic fo r autosomal recessive cerebellar ataxia. ACMG/AMP Criteria applied: PVS1_Strong, PM2, PP1, PM3_Supporting.

Ambry Genetics
Classification: Pathogenic for Inborn genetic diseases. Last evaluated: 2018-03-09. Review status: criteria provided, single submitter. Criteria: Ambry exome assertion method (8-5-2015). Collection method: clinical testing. Allele origin: germline. Affected: yes. Observed: 1 variant allele.

OMIM
Classification: Pathogenic for SPINOCEREBELLAR ATAXIA, AUTOSOMAL RECESSIVE 8. Last evaluated: 2007-01-01. Review status: no assertion criteria provided. Collection method: literature only. Allele origin: germline. Not counted in ClinVar's aggregate classification.

Literature cited by the submitters: PubMed 27782104 (cited by Athena Diagnostics); PubMed 16199547 (cited by Labcorp Genetics (formerly Invitae), Labcorp); PubMed 19542096 (cited by Labcorp Genetics (formerly Invitae), Labcorp); PubMed 24319099 (cited by Labcorp Genetics (formerly Invitae), Labcorp); PubMed 27086870 (cited by Labcorp Genetics (formerly Invitae), Labcorp); PubMed 17159980 (cited by 4 submitters); PubMed 31103315 (cited by Labcorp Genetics (formerly Invitae), Labcorp); PubMed 25843669 (cited by Laboratory for Molecular Medicine, Mass General Brigham Personalized Medicine).